The following is an entry in ClinVar:

NM_152383.5(DIS3L2):c.1204G>A (p.Gly402Ser)

Gene: DIS3L2 (DIS3 like 3'-5' exoribonuclease 2; plus strand). Cytogenetic location: 2q37.1.
Variant type: single nucleotide variant.
Coding change: c.1204G>A on transcript NM_152383.5 (MANE Select); coding-DNA position 1204, G replaced by A.
Protein change: p.Gly402Ser; replaces glycine 402 with serine.
Molecular consequence: missense variant. On other transcripts: non-coding transcript variant (2).
Genome position (GRCh38, 1-based): chr2:232,210,405, G>A. VCF-style: chr2-232210405-G-A. GRCh37 (hg19) VCF-style: chr2-233075115-G-A.
Other names: c.1204G>A, p.Gly402Ser (NM_001257281.2); short protein forms G402S.
Identifiers: ClinVar variation 657426 (VCV000657426.7), dbSNP rs374886454, ClinGen allele CA2164063.

ClinVar aggregate classification (germline): Uncertain significance (1 of 4 stars; one submission).

Conditions:
Perlman syndrome (PRLMNS). Identifiers: Orphanet 2849, MedGen C0796113, MONDO:0009965, OMIM 267000.

Allele frequency attached by ClinVar (database versions not stated): gnomAD 0.00001; ESP Exome Variant Server 0.00008; ExAC 0.00001; gnomAD exomes 0.00001 and 0.00003; TOPMed 0.00003.
gnomAD v4.1: 45 of 1,612,756 alleles (0.0028%); highest among the groups gnomAD compares: Non-Finnish European, 0.0034%; no homozygotes.

Submissions (2):

Labcorp Genetics (formerly Invitae), Labcorp
Classification: Uncertain significance for Perlman syndrome. Last evaluated: 2023-10-24. Review status: criteria provided, single submitter. Criteria: Invitae Variant Classification Sherloc (09022015). Collection method: clinical testing. Allele origin: germline.
Comment: This sequence change replaces glycine, which is neutral and non-polar, with serine, which is neutral and polar, at codon 402 of the DIS3L2 protein (p.Gly402Ser). This variant also falls at the last nucleotide of exon 10, which is part of the consensus splice site for this exon. This variant is present in population databases (rs374886454, gnomAD 0.002%). This variant has not been reported in the literature in individuals affected with DIS3L2-related conditions. ClinVar contains an entry for this variant (Variation ID: 657426). An algorithm developed to predict the effect of missense changes on protein structure and function (PolyPhen-2) suggests that this variant is likely to be disruptive. Variants that disrupt the consensus splice site are a relatively common cause of aberrant splicing (PMID: 17576681, 9536098). Algorithms developed to predict the effect of sequence changes on RNA splicing suggest that this variant may disrupt the consensus splice site. In summary, the available evidence is currently insufficient to determine the role of this variant in disease. Therefore, it has been classified as a Variant of Uncertain Significance.

Dr. Peter K. Rogan Lab, Western University
No classification provided (evidence only). Condition: Uterine corpus endometrial carcinoma. Review status: no classification provided. Collection method: in vitro. Allele origin: not applicable. Functional consequence: skipped exon, retained intron. Not counted in ClinVar's aggregate classification.

Literature cited by the submitters: PubMed 17576681 (cited by Labcorp Genetics (formerly Invitae), Labcorp); PubMed 9536098 (cited by Labcorp Genetics (formerly Invitae), Labcorp).